The following is an entry in ClinVar:

NM_000742.4(CHRNA2):c.170A>C (p.Glu57Ala)

Gene: CHRNA2 (cholinergic receptor nicotinic alpha 2 subunit; minus strand). Cytogenetic location: 8p21.2.
Variant type: single nucleotide variant.
Coding change: c.170A>C on transcript NM_000742.4 (MANE Select); coding-DNA position 170, A replaced by C.
Protein change: p.Glu57Ala; replaces glutamic acid 57 with alanine.
Molecular consequence: missense variant. On other transcripts: 5 prime UTR variant (4).
Genome position (GRCh38, 1-based): chr8:27,469,885, T>G on the plus strand (A>C on the coding strand, the complement: CHRNA2 is on the minus strand). VCF-style: chr8-27469885-T-G. GRCh37 (hg19) VCF-style: chr8-27327402-T-G.
Other names: c.170A>C, p.Glu57Ala (NM_001282455.2); c.-258A>C (NM_001347705.2); c.-303A>C (NM_001347706.2); c.-244A>C (NM_001347707.2); c.-292A>C (NM_001347708.2); short protein forms E57A.
Identifiers: ClinVar variation 1778512 (VCV001778512.2), dbSNP rs2490576284, ClinGen allele CA370813211.

ClinVar aggregate classification (germline): Uncertain significance (1 of 4 stars; one submission).

Conditions:
Inborn genetic diseases. Identifiers: MedGen C0950123, MeSH D030342.

Submission:

Ambry Genetics
Classification: Uncertain significance for Inborn genetic diseases. Last evaluated: 2017-12-28. Review status: criteria provided, single submitter. Criteria: Ambry Variant Classification Scheme 2023. Collection method: clinical testing. Allele origin: germline.
Comment: The p.E57A variant (also known as c.170A>C), located in coding exon 2 of the CHRNA2 gene, results from an A to C substitution at nucleotide position 170. The glutamic acid at codon 57 is replaced by alanine, an amino acid with dissimilar properties. This amino acid position is poorly conserved in available vertebrate species. In addition, this alteration is predicted to be tolerated by in silico analysis. Since supporting evidence is limited at this time, the clinical significance of this alteration remains unclear.